The following is an entry in ClinVar:

NM_015214.3(DDHD2):c.1481G>A (p.Arg494Gln)

Gene: DDHD2 (DDHD domain containing 2; plus strand). Cytogenetic location: 8p11.23.
Variant type: single nucleotide variant.
Coding change: c.1481G>A on transcript NM_015214.3 (MANE Select); coding-DNA position 1481, G replaced by A.
Protein change: p.Arg494Gln; replaces arginine 494 with glutamine.
Molecular consequence: missense variant. On other transcripts: non-coding transcript variant (2).
Genome position (GRCh38, 1-based): chr8:38,252,151, G>A. VCF-style: chr8-38252151-G-A. GRCh37 (hg19) VCF-style: chr8-38109669-G-A.
Other names: c.1481G>A (NM_015214.2); c.1481G>A, p.Arg494Gln (NM_001164232.2, NM_001362911.2, NM_001362912.2 and 1 more transcripts); c.1391G>A, p.Arg464Gln (NM_001362913.2); short protein forms R464Q, R494Q.
Identifiers: ClinVar variation 2156106 (VCV002156106.4), dbSNP rs146163106, ClinGen allele CA4716279.

ClinVar aggregate classification (germline): Uncertain significance. Review status: criteria provided, multiple submitters, no conflicts (2 of 4 stars). 2 submissions from 2 submitters: Uncertain significance (2). Last evaluated 2025-09-10.

Conditions:
Inborn genetic diseases. Identifiers: MedGen C0950123, MeSH D030342.
Hereditary spastic paraplegia 54. Also called: Spastic paraplegia 54, autosomal recessive. Identifiers: Orphanet 320380, MedGen C3539495, MONDO:0014018, OMIM 615033.

Allele frequency attached by ClinVar (database versions not stated): ExAC 0.00005; gnomAD 0.00015; TOPMed 0.00016; ESP Exome Variant Server 0.00023.
gnomAD v4.1: 53 of 1,613,812 alleles (0.0033%); highest among the groups gnomAD compares: African/African-American, 0.036%; no homozygotes.

Submissions (2):

Ambry Genetics
Classification: Uncertain significance for Inborn genetic diseases. Last evaluated: 2025-09-10. Review status: criteria provided, single submitter. Criteria: Ambry Variant Classification Scheme 2023. Collection method: clinical testing. Allele origin: germline.

Labcorp Genetics (formerly Invitae), Labcorp
Classification: Uncertain significance for Hereditary spastic paraplegia 54. Last evaluated: 2024-01-24. Review status: criteria provided, single submitter. Criteria: Invitae Variant Classification Sherloc (09022015). Collection method: clinical testing. Allele origin: germline.
Comment: This sequence change replaces arginine, which is basic and polar, with glutamine, which is neutral and polar, at codon 494 of the DDHD2 protein (p.Arg494Gln). This variant is present in population databases (rs146163106, gnomAD 0.03%). This variant has not been reported in the literature in individuals affected with DDHD2-related conditions. ClinVar contains an entry for this variant (Variation ID: 2156106). Advanced modeling of protein sequence and biophysical properties (such as structural, functional, and spatial information, amino acid conservation, physicochemical variation, residue mobility, and thermodynamic stability) performed at Invitae indicates that this missense variant is not expected to disrupt DDHD2 protein function with a negative predictive value of 80%. In summary, the available evidence is currently insufficient to determine the role of this variant in disease. Therefore, it has been classified as a Variant of Uncertain Significance.